The following is an entry in ClinVar:

ClinVar aggregate classification (germline): Benign/Likely benign. Review status: criteria provided, multiple submitters, no conflicts (2 of 4 stars). 4 submissions from 4 submitters: Benign (2); Likely benign (2). Last evaluated 2026-01-26.

Conditions:
Donnai-Barrow syndrome. Also called: FACIOOCULOACOUSTICORENAL SYNDROME; DBS/FOAR SYNDROME. Identifiers: Orphanet 2143, MedGen C1857277, MONDO:0009104, OMIM 222448.

Allele frequency attached by ClinVar (database versions not stated): gnomAD 0.00011 and 0.00019; gnomAD exomes 0.00017 and 0.00057; TOPMed 0.00031; ExAC 0.00056; 1000 Genomes Project 0.00080; 1000 Genomes Project 30x 0.00094.
gnomAD v4.1: 285 of 1,614,134 alleles (0.018%); highest among the groups gnomAD compares: East Asian, 0.58%; 1 homozygote.

Submissions (4):

Labcorp Genetics (formerly Invitae), Labcorp
Classification: Benign. Last evaluated: 2026-01-26. Review status: criteria provided, single submitter. Criteria: Invitae Variant Classification Sherloc (09022015). Collection method: clinical testing. Allele origin: germline.

Blueprint Genetics
Classification: Likely benign. Last evaluated: 2024-04-08. Review status: criteria provided, single submitter. Criteria: ACMG Guidelines, 2015. Collection method: clinical testing. Allele origin: germline.

Genome-Nilou Lab
Classification: Benign for Donnai-Barrow syndrome. Last evaluated: 2021-07-15. Review status: criteria provided, single submitter. Criteria: ACMG Guidelines, 2015. Collection method: clinical testing. Allele origin: germline. Affected: no.

Illumina Laboratory Services, Illumina
Classification: Likely benign for Donnai-Barrow syndrome. Last evaluated: 2018-01-13. Review status: criteria provided, single submitter. Criteria: ICSL Variant Classification Criteria 13 December 2019. Collection method: clinical testing. Allele origin: germline.
Comment: This variant was observed in the ICSL laboratory as part of a predisposition screen in an ostensibly healthy population. It had not been previously curated by ICSL or reported in the Human Gene Mutation Database (HGMD: prior to June 1st, 2018), and was therefore a candidate for classification through an automated scoring system. Utilizing variant allele frequency, disease prevalence and penetrance estimates, and inheritance mode, an automated score was calculated to assess if this variant is too frequent to cause the disease. Based on the score and internal cut-off values, a variant classified as likely benign is not then subjected to further curation. The score for this variant resulted in a classification of likely benign for this disease.

NM_004525.3(LRP2):c.13359C>T (p.Ser4453=)

Gene: LRP2 (LDL receptor related protein 2; minus strand). Cytogenetic location: 2q31.1.
Variant type: single nucleotide variant.
Coding change: c.13359C>T on transcript NM_004525.3 (MANE Select); coding-DNA position 13359, C replaced by T.
Protein change: p.Ser4453=; no amino-acid change (serine 4453 retained).
Molecular consequence: synonymous variant.
Genome position (GRCh38, 1-based): chr2:169,139,280, G>A on the plus strand (C>T on the coding strand, the complement: LRP2 is on the minus strand). VCF-style: chr2-169139280-G-A. GRCh37 (hg19) VCF-style: chr2-169995790-G-A.
Identifiers: ClinVar variation 894194 (VCV000894194.15), dbSNP rs202161925, ClinGen allele CA1952565.